The following is an entry in ClinVar:

ClinVar aggregate classification (germline): Uncertain significance (1 of 4 stars; one submission).

Submission:

Dasa
Classification: Uncertain significance. Last evaluated: 2026-01-03. Review status: criteria provided, single submitter. Criteria: DASA Assertion Criteria. Collection method: clinical testing. Allele origin: germline.
Comment: NM_000138.5(FBN1):c.5075G>A (p.Arg1692Lys) is a missense variant that results in the substitution of arginine with lysine. This variant is rare in population databases. The currently available literature and clinical evidence are not sufficient to establish a definitive association between this variant and the reported condition. Therefore, this variant is classified as a variant of uncertain significance.

NM_000138.5(FBN1):c.5075G>A (p.Arg1692Lys)

Gene: FBN1 (fibrillin 1; minus strand). Cytogenetic location: 15q21.1.
Variant type: single nucleotide variant.
Coding change: c.5075G>A on transcript NM_000138.5 (MANE Select); coding-DNA position 5075, G replaced by A.
Protein change: p.Arg1692Lys; replaces arginine 1692 with lysine.
Molecular consequence: missense variant.
Genome position (GRCh38, 1-based): chr15:48,463,231, C>T on the plus strand (G>A on the coding strand, the complement: FBN1 is on the minus strand). VCF-style: chr15-48463231-C-T. GRCh37 (hg19) VCF-style: chr15-48755428-C-T.
Other names: c.5075G>A, p.Arg1692Lys (NM_001406716.1); short protein forms R1692K.
Identifiers: ClinVar variation 4885871 (VCV004885871.2).